The following is an entry in ClinVar:

ClinVar aggregate classification (germline): Uncertain significance. Review status: criteria provided, multiple submitters, no conflicts (2 of 4 stars). 2 submissions from 2 submitters: Uncertain significance (2). Last evaluated 2024-05-24.

Conditions:
Sucrase-isomaltase deficiency (CSID). Also called: Deficiency of isomaltase; SI DEFICIENCY; Congenital sucrose isomaltose malabsorption; Sucrose isomaltose enzyme deficiency. Identifiers: Orphanet 35122, MedGen C1283620, MONDO:0009114, OMIM 222900.

Allele frequency attached by ClinVar (database versions not stated): gnomAD exomes below 0.00001.
gnomAD v4.1: 2 of 1,612,644 alleles (0.00012%); highest among the groups gnomAD compares: Admixed American, 0.0017%; no homozygotes.

Submissions (2):

Fulgent Genetics
Classification: Uncertain significance for Sucrase-isomaltase deficiency. Last evaluated: 2024-05-24. Review status: criteria provided, single submitter. Criteria: ACMG Guidelines, 2015. Collection method: clinical testing. Allele origin: germline.

Labcorp Genetics (formerly Invitae), Labcorp
Classification: Uncertain significance. Last evaluated: 2023-12-07. Review status: criteria provided, single submitter. Criteria: Invitae Variant Classification Sherloc (09022015). Collection method: clinical testing. Allele origin: germline.
Comment: This sequence change replaces glycine, which is neutral and non-polar, with serine, which is neutral and polar, at codon 553 of the SI protein (p.Gly553Ser). This variant is present in population databases (no rsID available, gnomAD 0.003%). This variant has not been reported in the literature in individuals affected with SI-related conditions. ClinVar contains an entry for this variant (Variation ID: 1970139). Advanced modeling of protein sequence and biophysical properties (such as structural, functional, and spatial information, amino acid conservation, physicochemical variation, residue mobility, and thermodynamic stability) has been performed at Invitae for this missense variant, however the output from this modeling did not meet the statistical confidence thresholds required to predict the impact of this variant on SI protein function. In summary, the available evidence is currently insufficient to determine the role of this variant in disease. Therefore, it has been classified as a Variant of Uncertain Significance.

NM_001041.4(SI):c.1657G>A (p.Gly553Ser)

Gene: SI (sucrase-isomaltase; minus strand). Cytogenetic location: 3q26.1.
Variant type: single nucleotide variant.
Coding change: c.1657G>A on transcript NM_001041.4 (MANE Select); coding-DNA position 1657, G replaced by A.
Protein change: p.Gly553Ser; replaces glycine 553 with serine.
Molecular consequence: missense variant.
Genome position (GRCh38, 1-based): chr3:165,049,185, C>T on the plus strand (G>A on the coding strand, the complement: SI is on the minus strand). VCF-style: chr3-165049185-C-T. GRCh37 (hg19) VCF-style: chr3-164766973-C-T.
Other names: short protein forms G553S.
Identifiers: ClinVar variation 1970139 (VCV001970139.5), dbSNP rs540565047, ClinGen allele CA355052972.
Genomic context (GRCh38, chr3:165,049,185, plus strand): 5'-ACTGCTCTGTGGCTATAGCCATGCTGTATCCATAGAGGCTATGAACATCATACTGTTTAC[C>T]CCAGTTCTGCACAGCATCCATGCAAATTGTTTTGGAATACATGAGTTTGTCAAGAATATC-3'
Protein context (NP_001032.2, residues 543-563): TICMDAVQNW[Gly553Ser]KQYDVHSLYG